The following is an entry in ClinVar:

NM_001370348.2(PHF3):c.2079C>T (p.Asn693=)

Genes: PHF3 (PHD finger protein 3; plus strand), LOC129996682 (ATAC-STARR-seq lymphoblastoid active region 24722; plus strand). Cytogenetic location: 6q12.
Variant type: single nucleotide variant.
Coding change: c.2079C>T on transcript NM_001370348.2 (MANE Select); coding-DNA position 2079, C replaced by T.
Protein change: p.Asn693=; no amino-acid change (asparagine 693 retained).
Molecular consequence: synonymous variant. On other transcripts: intron variant (1).
Genome position (GRCh38, 1-based): chr6:63,685,801, C>T. VCF-style: chr6-63685801-C-T. GRCh37 (hg19) VCF-style: chr6-64395702-C-T.
Other names: c.1815C>T, p.Asn605= (NM_001290259.2, NM_001370349.2); c.2079C>T, p.Asn693= (NM_001290260.2, NM_015153.4); c.-5+5640C>T (NM_001370350.2).
Identifiers: ClinVar variation 725458 (VCV000725458.27), dbSNP rs41271585, ClinGen allele CA3875795.

ClinVar aggregate classification (germline): Benign/Likely benign. Review status: criteria provided, multiple submitters, no conflicts (2 of 4 stars). 2 submissions from 2 submitters: Benign (1); Likely benign (1). Last evaluated 2026-08-01.

Allele frequency attached by ClinVar (database versions not stated): 1000 Genomes Project 30x 0.00078; 1000 Genomes Project 0.00080; TOPMed 0.00122; ESP Exome Variant Server 0.00146; gnomAD exomes 0.00195 and 0.00266; ExAC 0.00300; gnomAD 0.00360.
gnomAD v4.1: 3,183 of 1,613,872 alleles (0.2%); highest among the groups gnomAD compares: Non-Finnish European, 0.18%; 12 homozygotes.

Submissions (2):

CeGaT Center for Human Genetics Tuebingen
Classification: Likely benign. Last evaluated: 2026-08-01. Review status: criteria provided, single submitter. Criteria: CeGaT Center For Human Genetics Tuebingen Variant Classification Criteria Version 2. Collection method: clinical testing. Allele origin: germline. Affected: yes. Observed: 2 variant alleles.
Comment: PHF3: BP4, BP7

Labcorp Genetics (formerly Invitae), Labcorp
Classification: Benign. Last evaluated: 2018-06-08. Review status: criteria provided, single submitter. Criteria: Invitae Variant Classification Sherloc (09022015). Collection method: clinical testing. Allele origin: germline.